The following is an entry in ClinVar:

NM_020884.7(MYH7B):c.1758C>T (p.Tyr586=)

Gene: MYH7B (myosin heavy chain 7B; plus strand). Cytogenetic location: 20q11.22.
Variant type: single nucleotide variant.
Coding change: c.1758C>T on transcript NM_020884.7 (MANE Select); coding-DNA position 1758, C replaced by T.
Protein change: p.Tyr586=; no amino-acid change (tyrosine 586 retained).
Molecular consequence: synonymous variant.
Genome position (GRCh38, 1-based): chr20:34,989,910, C>T. VCF-style: chr20-34989910-C-T. GRCh37 (hg19) VCF-style: chr20-33577713-C-T.
Identifiers: ClinVar variation 3039259 (VCV003039259.2), dbSNP rs535215867, ClinGen allele CA9827049.

ClinVar aggregate classification (germline): Likely benign (0 of 4 stars; one submission).

Conditions:
MYH7B-related disorder. Also called: MYH7B-related condition.

Allele frequency attached by ClinVar (database versions not stated): TOPMed 0.00001; ExAC 0.00002; gnomAD exomes 0.00002; gnomAD 0.00003; 1000 Genomes Project 30x 0.00016; 1000 Genomes Project 0.00020.
gnomAD v4.1: 30 of 1,614,066 alleles (0.0019%); highest among the groups gnomAD compares: African/African-American, 0.0053%; no homozygotes.

Submission:

PreventionGenetics, part of Exact Sciences
Classification: Likely benign for MYH7B-related condition. Last evaluated: 2019-05-22. Review status: no assertion criteria provided. Collection method: clinical testing. Allele origin: germline.
Comment: This variant is classified as likely benign based on ACMG/AMP sequence variant interpretation guidelines (Richards et al. 2015 PMID: 25741868, with internal and published modifications).